The following is an entry in ClinVar:

ClinVar aggregate classification (germline): Pathogenic (1 of 4 stars; one submission).

Conditions:
Autosomal recessive limb-girdle muscular dystrophy type 2C (LGMDR5). Also called: MUSCULAR DYSTROPHY, DUCHENNE-LIKE; MUSCULAR DYSTROPHY, LIMB-GIRDLE, AUTOSOMAL RECESSIVE 5. Identifiers: Orphanet 353, MedGen C0410173, MONDO:0009677, OMIM 253700. Disease mechanism: Affects gamma-sarcoglycan and also disrupts the integrity of the entire sarcoglycan complex..

Submission:

Labcorp Genetics (formerly Invitae), Labcorp
Classification: Pathogenic for Autosomal recessive limb-girdle muscular dystrophy type 2C. Last evaluated: 2021-05-08. Review status: criteria provided, single submitter. Criteria: Invitae Variant Classification Sherloc (09022015). Collection method: clinical testing. Allele origin: germline.
Comment: This sequence change creates a premature translational stop signal (p.Phe175Tyrfs*19) in the SGCG gene. It is expected to result in an absent or disrupted protein product. Loss-of-function variants in SGCG are known to be pathogenic (PMID: 18285821). This variant is not present in population databases (ExAC no frequency). This variant has not been reported in the literature in individuals with SGCG-related conditions. For these reasons, this variant has been classified as Pathogenic.

Literature cited by the submitters: PubMed 18285821.

NM_000231.3(SGCG):c.524_527del (p.Phe175fs)

Gene: SGCG (sarcoglycan gamma; plus strand). Cytogenetic location: 13q12.12.
Variant type: Deletion.
Coding change: c.524_527del on transcript NM_000231.3 (MANE Select); coding-DNA positions 524 to 527, 4 bases deleted (TTGA; older notation c.524_527delTTGA).
Protein change: p.Phe175fs; shifts the reading frame from phenylalanine 175.
Molecular consequence: frameshift variant.
Genome position (GRCh38, 1-based): chr13:23,295,433-23,295,436, TTGA deleted. VCF-style (leftmost placement, unchanged base first): chr13-23295432-TTTGA-T. GRCh37 (hg19) VCF-style: chr13-23869571-TTTGA-T.
Other names: c.578_581del, p.Phe193fs (NM_001378244.1); c.524_527del, p.Phe175fs (NM_001378245.1, NM_001378246.1); short protein forms F193fs, F175fs.
Identifiers: ClinVar variation 1383126 (VCV001383126.6), dbSNP rs2137644682, ClinGen allele CA2573149167.